The following is an entry in ClinVar:

ClinVar aggregate classification (germline): Uncertain significance (1 of 4 stars; one submission).

Conditions:
Inborn genetic diseases. Identifiers: MedGen C0950123, MeSH D030342.

Submission:

Ambry Genetics
Classification: Uncertain significance for Inborn genetic diseases. Last evaluated: 2020-05-19. Review status: criteria provided, single submitter. Criteria: Ambry Variant Classification Scheme 2023. Collection method: clinical testing. Allele origin: germline.
Comment: The alteration results in an amino acid change:_x000D_ _x000D_ The c.1628C>G (p.A543G) alteration is located in coding exon 11 of the GRIA2 gene. This alteration results from a C to G substitution at nucleotide position 1628, causing the alanine (A) at amino acid position 543 to be replaced by a glycine (G). The alteration is not observed in population databases:_x000D_ _x000D_ Based on data from the Genome Aggregation Database (gnomAD), the GRIA2 c.1628C>G alteration was not observed, with coverage at this position. The altered amino acid is conserved throughout evolution:_x000D_ _x000D_ The p.A543 amino acid is conserved in available vertebrate species. The alteration is predicted tolerated by in silico modeling:_x000D_ _x000D_ The p.A543G alteration is predicted to be tolerated by in silico analysis. Based on insufficient or conflicting evidence, the clinical significance of this alteration remains unclear.

NM_001083619.3(GRIA2):c.1628C>G (p.Ala543Gly)

Gene: GRIA2 (glutamate ionotropic receptor AMPA type subunit 2; plus strand). Cytogenetic location: 4q32.1.
Variant type: single nucleotide variant.
Coding change: c.1628C>G on transcript NM_001083619.3 (MANE Select); coding-DNA position 1628, C replaced by G.
Protein change: p.Ala543Gly; replaces alanine 543 with glycine.
Molecular consequence: missense variant.
Genome position (GRCh38, 1-based): chr4:157,336,531, C>G. VCF-style: chr4-157336531-C-G. GRCh37 (hg19) VCF-style: chr4-158257683-C-G.
Other names: c.1628C>G, p.Ala543Gly (NM_000826.6); c.1487C>G, p.Ala496Gly (NM_001083620.3, NM_001379000.3, NM_001379001.3); short protein forms A496G, A543G.
Identifiers: ClinVar variation 985474 (VCV000985474.4), dbSNP rs1735295245, ClinGen allele CA358648220.